The following is an entry in ClinVar:

ClinVar aggregate classification (germline): Uncertain significance (1 of 4 stars; one submission).

Conditions:
Cardiovascular phenotype. Identifiers: MedGen CN230736.

gnomAD v4.1: 66 of 1,596,488 alleles (0.0041%); highest among the groups gnomAD compares: Non-Finnish European, 0.0046%; no homozygotes.

Submission:

Molecular Diagnostic Laboratory for Inherited Cardiovascular Disease, Montreal Heart Institute
Classification: Uncertain significance for Cardiovascular phenotype. Last evaluated: 2025-04-09. Review status: criteria provided, single submitter. Criteria: ACMG Guidelines, 2015. Collection method: clinical testing. Allele origin: germline. Affected: yes.
Comment: PM2, PVS1_supp, BP5

NM_003476.5(CSRP3):c.*29C>T

Gene: CSRP3 (cysteine and glycine rich protein 3; minus strand). Cytogenetic location: 11p15.1.
Variant type: single nucleotide variant.
Coding change: c.*29C>T on transcript NM_003476.5 (MANE Select); 29 bases downstream of the stop codon, C replaced by T.
Molecular consequence: 3 prime UTR variant. On other transcripts: nonsense (1).
Genome position (GRCh38, 1-based): chr11:19,182,641, G>A on the plus strand (C>T on the coding strand, the complement: CSRP3 is on the minus strand). VCF-style: chr11-19182641-G-A. GRCh37 (hg19) VCF-style: chr11-19204188-G-A.
Other names: c.445C>T, p.Arg149Ter (NM_001369404.1); short protein forms R149*.
Identifiers: ClinVar variation 3895219 (VCV003895219.1), dbSNP rs779471970.